The following is an entry in ClinVar:

NM_000095.3(COMP):c.1195G>T (p.Asp399Tyr)

Gene: COMP (cartilage oligomeric matrix protein; minus strand). Cytogenetic location: 19p13.11.
Variant type: single nucleotide variant.
Coding change: c.1195G>T on transcript NM_000095.3 (MANE Select); coding-DNA position 1195, G replaced by T.
Protein change: p.Asp399Tyr; replaces aspartic acid 399 with tyrosine.
Molecular consequence: missense variant.
Genome position (GRCh38, 1-based): chr19:18,786,591, C>A on the plus strand (G>T on the coding strand, the complement: COMP is on the minus strand). VCF-style: chr19-18786591-C-A. GRCh37 (hg19) VCF-style: chr19-18897401-C-A.
Other names: short protein forms D399Y.
Identifiers: ClinVar variation 4869335 (VCV004869335.1).
Genomic context (GRCh38, chr19:18,786,591, plus strand): 5'-CCTGATCCGGGTTGCTCTTCTGGGGACAGTTGTCACAGGCATCCCCTATACCATCGCCAT[C>A]ACTGTCCTTCTGGTCTGAGTTGGGTACCCTAGGGCAGTTGTCGGCCTGGTTGCGGATCCC-3'
Protein context (NP_000086.2, residues 389-409): RVPNSDQKDS[Asp399Tyr]GDGIGDACDN

ClinVar aggregate classification (germline): Likely pathogenic (1 of 4 stars; one submission).

Conditions:
Inborn genetic diseases. Identifiers: MedGen C0950123, MeSH D030342.

Submission:

Ambry Genetics
Classification: Likely pathogenic for Inborn genetic diseases. Last evaluated: 2026-06-12. Review status: criteria provided, single submitter. Criteria: Ambry Variant Classification Scheme 2023. Collection method: clinical testing. Allele origin: germline.
Comment: The c.1195G>T (p.D399Y) alteration is located in exon 11 (coding exon 11) of the COMP gene. This alteration results from a G to T substitution at nucleotide position 1195, causing the aspartic acid (D) at amino acid position 399 to be replaced by a tyrosine (Y). This variant was not reported in population-based cohorts in the Genome Aggregation Database (gnomAD). Other variant(s) at the same codon, c.1195G>A (p.D399N), have been identified in individual(s) with features consistent with COMP-related chondrodysplasia (Kennedy, 2005). This amino acid position is highly conserved in available vertebrate species. This alteration is predicted to be deleterious by in silico analysis. Based on the available evidence, this alteration is classified as likely pathogenic.

Literature cited by the submitters: PubMed 15756302; PubMed 20301660.